The following is an entry in ClinVar:

NM_001042492.3(NF1):c.6439C>T (p.Gln2147Ter)

Gene: NF1 (neurofibromin 1; plus strand). Cytogenetic location: 17q11.2.
Variant type: single nucleotide variant.
Coding change: c.6439C>T on transcript NM_001042492.3 (MANE Select); coding-DNA position 6439, C replaced by T.
Protein change: p.Gln2147Ter; replaces glutamine 2147 with a stop codon.
Molecular consequence: nonsense.
Genome position (GRCh38, 1-based): chr17:31,337,379, C>T. VCF-style: chr17-31337379-C-T. GRCh37 (hg19) VCF-style: chr17-29664397-C-T.
Other names: c.6376C>T, p.Gln2126Ter (NM_000267.4); short protein forms Q2147*, Q2126*.
Identifiers: ClinVar variation 664810 (VCV000664810.8), dbSNP rs1555534859, ClinGen allele CA399013013.

ClinVar aggregate classification (germline): Pathogenic. Review status: criteria provided, multiple submitters, no conflicts (2 of 4 stars). 3 submissions from 3 submitters: Pathogenic (3). Last evaluated 2026-09-08.

Conditions:
Neurofibromatosis, type 1 (NF1). Also called: VON RECKLINGHAUSEN DISEASE; Peripheral type neurofibromatosis; NEUROFIBROMATOSIS, TYPE I, SOMATIC; Neurofibromatosis, type I. Identifiers: Orphanet 636, MedGen C0027831, MONDO:0018975, OMIM 162200. Disease mechanism: loss of function.

Submissions (3):

Myriad Genetics, Inc.
Classification: Pathogenic for Neurofibromatosis, type 1. Last evaluated: 2026-09-08. Review status: criteria provided, single submitter. Criteria: Myriad Autosomal Dominant, Autosomal Recessive and X-Linked Classification Criteria (2023). Collection method: clinical testing. Allele origin: unknown.
Comment: This variant is considered pathogenic. This variant creates a termination codon and is predicted to result in premature protein truncation.

Labcorp Genetics (formerly Invitae), Labcorp
Classification: Pathogenic for Neurofibromatosis, type 1. Last evaluated: 2025-11-18. Review status: criteria provided, single submitter. Criteria: Invitae Variant Classification Sherloc (09022015). Collection method: clinical testing. Allele origin: germline.
Comment: This sequence change creates a premature translational stop signal (p.Gln2126*) in the NF1 gene. It is expected to result in an absent or disrupted protein product. Loss-of-function variants in NF1 are known to be pathogenic (PMID: 10712197, 23913538). This variant is not present in population databases (gnomAD no frequency). This premature translational stop signal has been observed in individual(s) with neurofibromatosis type 1 (PMID: 23656349). Invitae Evidence Modeling of clinical and family history, age, sex, and reported ancestry of multiple individuals with this NF1 variant has been performed. This variant is expected to be pathogenic with a positive predictive value of at least 99%. This is a validated machine learning model that incorporates the clinical features of 1,785,918 individuals referred to our laboratory for NF1 testing. ClinVar contains an entry for this variant (Variation ID: 664810). Algorithms developed to predict the effect of sequence changes on RNA splicing suggest that this variant may create or strengthen a splice site. For these reasons, this variant has been classified as Pathogenic.

GeneDx
Classification: Pathogenic. Last evaluated: 2025-10-28. Review status: criteria provided, single submitter. Criteria: GeneDx Variant Classification Process June 2021. Collection method: clinical testing. Allele origin: germline.
Comment: Reported in a patient who reportedly fulfilled clinical criteria for a neurofibromatosis type 1 diagnosis; however, specific clinical information was not included (PMID: 23656349); Nonsense variant predicted to result in protein truncation or nonsense mediated decay in a gene for which loss of function is a known mechanism of disease; Not observed at significant frequency in large population cohorts (gnomAD); This variant is associated with the following publications: (PMID: 23656349)

Literature cited by the submitters: PubMed 10712197 (cited by Labcorp Genetics (formerly Invitae), Labcorp); PubMed 23913538 (cited by Labcorp Genetics (formerly Invitae), Labcorp); PubMed 23656349 (cited by Labcorp Genetics (formerly Invitae), Labcorp).